The following is an entry in ClinVar:

ClinVar aggregate classification (germline): Uncertain significance (1 of 4 stars; one submission).

Conditions:
POLD1-related polyposis and colorectal cancer syndrome (CRCS10). Also called: Colorectal cancer 10; COLORECTAL CANCER, SUSCEPTIBILITY TO, ON CHROMOSOME 19q; Colorectal cancer, susceptibility to, 10. Identifiers: Orphanet 220460, MedGen C2675481, MONDO:0012953, OMIM 612591.

Submission:

Labcorp Genetics (formerly Invitae), Labcorp
Classification: Uncertain significance for POLD1-related polyposis and colorectal cancer syndrome. Last evaluated: 2019-10-06. Review status: criteria provided, single submitter. Criteria: Invitae Variant Classification Sherloc (09022015). Collection method: clinical testing. Allele origin: germline.
Comment: Algorithms developed to predict the effect of missense changes on protein structure and function are either unavailable or do not agree on the potential impact of this missense change (SIFT: "Deleterious"; PolyPhen-2: "Probably Damaging"; Align-GVGD: "Class C0"). This sequence change replaces serine with cysteine at codon 879 of the POLD1 protein (p.Ser879Cys). The serine residue is highly conserved and there is a moderate physicochemical difference between serine and cysteine. This variant is not present in population databases (ExAC no frequency). This variant has not been reported in the literature in individuals with POLD1-related conditions. In summary, the available evidence is currently insufficient to determine the role of this variant in disease. Therefore, it has been classified as a Variant of Uncertain Significance.

NM_002691.4(POLD1):c.2636C>G (p.Ser879Cys)

Gene: POLD1 (DNA polymerase delta 1, catalytic subunit; plus strand). Cytogenetic location: 19q13.33.
Variant type: single nucleotide variant.
Coding change: c.2636C>G on transcript NM_002691.4 (MANE Select); coding-DNA position 2636, C replaced by G.
Protein change: p.Ser879Cys; replaces serine 879 with cysteine.
Molecular consequence: missense variant. On other transcripts: non-coding transcript variant (1).
Genome position (GRCh38, 1-based): chr19:50,415,509, C>G. VCF-style: chr19-50415509-C-G. GRCh37 (hg19) VCF-style: chr19-50918766-C-G.
Other names: c.2636C>G, p.Ser879Cys (NM_001256849.1); c.2714C>G, p.Ser905Cys (NM_001308632.1); short protein forms S905C, S879C.
Identifiers: ClinVar variation 971491 (VCV000971491.9), dbSNP rs2039247248, ClinGen allele CA406985511.
Genomic context (GRCh38, chr19:50,415,509, plus strand): 5'-GCGCGGTGGCTCACGCACAGGACGTCATCTCGGACCTGCTGTGCAACCGCATCGATATCT[C>G]CCAGCTGGTCATCACCAAGGAGCTGACCCGCGCGGCCTCCGACTATGCCGGCAAGCAGGC-3'
Protein context (NP_002682.2, residues 869-889): SDLLCNRIDI[Ser879Cys]QLVITKELTR